The following is an entry in ClinVar:

ClinVar aggregate classification (germline): Likely benign. Review status: reviewed by expert panel (3 of 4 stars). 11 submissions from 11 submitters: Likely benign (1). 10 of the submissions do not count toward it. Last evaluated 2017-06-29.

Conditions:
BRCA2-related cancer predisposition. Identifiers: MedGen CN377758, MONDO:0700269.
Hereditary cancer-predisposing syndrome. Also called: Tumor predisposition; Hereditary Cancer Syndrome; Hereditary neoplastic syndrome; Neoplastic Syndromes, Hereditary. Identifiers: Orphanet 140162, MedGen C0027672, MeSH D009386, MONDO:0015356.
Hereditary breast ovarian cancer syndrome. Also called: Breast and ovarian cancer; Hereditary breast and ovarian cancer syndrome; Hereditary breast and ovarian cancer; BRCA1- and BRCA2-Associated Hereditary Breast and Ovarian Cancer; Hereditary breast and ovarian cancer syndrome (HBOC); Hereditary breast and/or ovarian cancer syndrome. Identifiers: Orphanet 145, MedGen C0677776, MeSH D061325, MONDO:0003582. Disease mechanism: loss of function.
Breast-ovarian cancer, familial, susceptibility to, 2 (BROVCA2). Also called: BRCA2 Hereditary Breast and Ovarian Cancer. Identifiers: Orphanet 145, MedGen C2675520, MONDO:0012933, OMIM 612555. Disease mechanism: loss of function.

Allele frequency attached by ClinVar (database versions not stated): ESP Exome Variant Server 0.00008; ExAC 0.00002; TOPMed 0.00003.
gnomAD v4.1: 14 of 1,614,024 alleles (0.00087%); highest among the groups gnomAD compares: East Asian, 0.0089%; no homozygotes.

Submissions (11):

Evidence-based Network for the Interpretation of Germline Mutant Alleles (ENIGMA)
Classification: Likely benign for Breast-ovarian cancer, familial, susceptibility to, 2. Last evaluated: 2017-06-29. Review status: reviewed by expert panel. Criteria: ENIGMA BRCA1/2 Classification Criteria (2017-06-29). Collection method: curation. Allele origin: germline.
Comment: Synonymous substitution variant, with low bioinformatic likelihood to result in a splicing aberration (Splicing prior probability 0.02).

Labcorp Genetics (formerly Invitae), Labcorp
Classification: Likely benign for Hereditary breast ovarian cancer syndrome. Last evaluated: 2026-01-14. Review status: criteria provided, single submitter. Criteria: Invitae Variant Classification Sherloc (09022015). Collection method: clinical testing. Allele origin: germline. Not counted in ClinVar's aggregate classification.

All of Us Research Program, National Institutes of Health
Classification: Likely benign for BRCA2-related cancer predisposition. Last evaluated: 2024-08-06. Review status: criteria provided, single submitter. Criteria: ACMG Guidelines, 2015. Collection method: clinical testing. Allele origin: germline. Inheritance: Autosomal dominant inheritance. Observed: 5 variant alleles, 5 heterozygotes. Not counted in ClinVar's aggregate classification.
Comment: This study involves interpretation of variants in research participants for the purpose of population health screening. Participant phenotype was not available at the time of variant classification. Additional details can be found in publication PMID: 35346344, PMCID: PMC8962531

Women's Health and Genetics/Laboratory Corporation of America, LabCorp
Classification: Likely benign. Last evaluated: 2022-07-11. Review status: criteria provided, single submitter. Criteria: LabCorp Variant Classification Summary - May 2015. Collection method: clinical testing. Allele origin: germline. Not counted in ClinVar's aggregate classification.

Sema4
Classification: Likely benign for Hereditary cancer-predisposing syndrome. Last evaluated: 2021-11-15. Review status: criteria provided, single submitter. Criteria: Sema4 Curation Guidelines. Collection method: curation. Allele origin: germline. Not counted in ClinVar's aggregate classification.

Quest Diagnostics Nichols Institute San Juan Capistrano
Classification: Likely benign. Last evaluated: 2019-12-23. Review status: criteria provided, single submitter. Criteria: Quest Diagnostics criteria. Collection method: clinical testing. Allele origin: unknown. Not counted in ClinVar's aggregate classification.

Color Diagnostics, LLC DBA Color Health
Classification: Likely benign for Hereditary cancer-predisposing syndrome. Last evaluated: 2017-01-22. Review status: criteria provided, single submitter. Criteria: ACMG Guidelines, 2015. Collection method: clinical testing. Allele origin: germline. Not counted in ClinVar's aggregate classification.

Ambry Genetics
Classification: Likely benign for Hereditary cancer-predisposing syndrome. Last evaluated: 2014-08-20. Review status: criteria provided, single submitter. Criteria: Ambry Variant Classification Scheme 2023. Collection method: clinical testing. Allele origin: germline. Not counted in ClinVar's aggregate classification.

GeneDx
Classification: Benign. Last evaluated: 2014-07-16. Review status: criteria provided, single submitter. Criteria: GeneDx Variant Classification (06012015). Collection method: clinical testing. Allele origin: germline. Affected: yes. Not counted in ClinVar's aggregate classification.
Comment: This variant is considered likely benign or benign based on one or more of the following criteria: it is a conservative change, it occurs at a poorly conserved position in the protein, it is predicted to be benign by multiple in silico algorithms, and/or has population frequency not consistent with disease.

Counsyl
Classification: Likely benign for Breast-ovarian cancer, familial, susceptibility to, 2. Last evaluated: 2016-05-18. Review status: no assertion criteria provided. Collection method: clinical testing. Allele origin: unknown. Not counted in ClinVar's aggregate classification.

Department of Pathology and Laboratory Medicine, Sinai Health System
Classification: Likely benign for Breast-ovarian cancer, familial, susceptibility to, 2. Review status: no assertion criteria provided. Collection method: clinical testing. Allele origin: unknown. Affected: yes. Observed: 1 variant allele. Study: The Canadian Open Genetics Repository (COGR). Not counted in ClinVar's aggregate classification.
Comment: The p.Arg2502Arg is not expected to have clinical significance because it does not result in a change of amino acid and is not located in a known consensus splice site. In addition, in silico or computational prediction software programs (SpliceSiteFinder, MaxEntScan, NNSPLICE, GeneSplicer, HumanSpliceFinder) do not predict a difference in splicing. The variant was not identified in the literature nor was it identified in HGMD, LOVD, COSMIC, UMD, ClinVar, or BIC databases. It was identified in the NHLBI Exome Sequencing Project (Exome Variant Server) with an allele frequency 1/4406 in African American population. It is listed in the dbSNP database (rs140693106) but no frequency information was provided, thus the prevalence of this variant in the general population could not be determined. The IARC database shows that any substitution at nucleotide position 7506 results in the formation of the same Arg residue at this codon 2502. In summary, based on the above information, the clinical significance of this variant cannot be determined with certainty at this time although we would lean towards a more benign role for this variant. This variant is classified as predicted benign.

Literature cited by the submitters: PubMed 21702907 (cited by Counsyl).

NM_000059.4(BRCA2):c.7506C>T (p.Arg2502=)

Gene: BRCA2 (BRCA2 DNA repair associated; plus strand). Cytogenetic location: 13q13.1.
Variant type: single nucleotide variant.
Coding change: c.7506C>T on transcript NM_000059.4 (MANE Select); coding-DNA position 7506, C replaced by T.
Protein change: p.Arg2502=; no amino-acid change (arginine 2502 retained).
Molecular consequence: synonymous variant.
Genome position (GRCh38, 1-based): chr13:32,356,498, C>T. VCF-style: chr13-32356498-C-T. GRCh37 (hg19) VCF-style: chr13-32930635-C-T.
Other names: p.R2502R:CGC>CGT.
Identifiers: ClinVar variation 182295 (VCV000182295.28), dbSNP rs140693106, ClinGen allele CA025123.